The following is an entry in ClinVar:

ClinVar aggregate classification (germline): Conflicting classifications of pathogenicity. Review status: criteria provided, conflicting classifications (1 of 4 stars). 5 submissions from 5 submitters: Pathogenic (1); Likely pathogenic (2); Uncertain significance (2). Last evaluated 2026-05-01.

Conditions:
RYR1-related myopathy. Identifiers: Orphanet 98742, MedGen CN305348, MONDO:0100150.
RYR1-related disorder. Also called: RYR1-related disorders; RYR1-related condition. Identifiers: MedGen CN239331.

Allele frequency attached by ClinVar (database versions not stated): TOPMed below 0.00001; gnomAD exomes 0.00001 and below 0.00001.
gnomAD v4.1: 11 of 1,614,178 alleles (0.00068%); highest among the groups gnomAD compares: Admixed American, 0.0033%; no homozygotes.

Submissions (5):

GeneDx
Classification: Likely pathogenic. Last evaluated: 2026-05-01. Review status: criteria provided, single submitter. Criteria: GeneDx Variant Classification Process June 2021. Collection method: clinical testing. Allele origin: germline.
Comment: Not observed at significant frequency in large population cohorts (gnomAD); In silico analysis suggests that this missense variant does not alter protein structure/function; Has not been previously published as pathogenic or benign to our knowledge; This variant is associated with the following publications: (PMID: 20681998, 33767344)

Labcorp Genetics (formerly Invitae), Labcorp
Classification: Pathogenic for RYR1-related disorder. Last evaluated: 2025-12-26. Review status: criteria provided, single submitter. Criteria: Invitae Variant Classification Sherloc (09022015). Collection method: clinical testing. Allele origin: germline.
Comment: This sequence change replaces serine, which is neutral and polar, with asparagine, which is neutral and polar, at codon 4867 of the RYR1 protein (p.Ser4867Asn). This variant is present in population databases (rs587784373, gnomAD 0.003%). This missense change has been observed in individuals with autosomal recessive congenital myopathy (internal data). ClinVar contains an entry for this variant (Variation ID: 159837). Invitae Evidence Modeling of protein sequence and biophysical properties (such as structural, functional, and spatial information, amino acid conservation, physicochemical variation, residue mobility, and thermodynamic stability) indicates that this missense variant is not expected to disrupt RYR1 protein function with a negative predictive value of 80%. For these reasons, this variant has been classified as Pathogenic.

Revvity Omics, Revvity
Classification: Uncertain significance. Last evaluated: 2024-02-23. Review status: criteria provided, single submitter. Criteria: ACMG Guidelines, 2015. Collection method: clinical testing. Allele origin: germline.

Broad Center for Mendelian Genomics, Broad Institute of MIT and Harvard
Classification: Uncertain significance for RYR1-related myopathy. Last evaluated: 2023-01-25. Review status: criteria provided, single submitter. Criteria: ACMG Guidelines, 2015. Collection method: curation. Allele origin: germline. Inheritance: Autosomal recessive inheritance.
Comment: The p.Ser4867Asn variant in RYR1 has not been previously reported in the literature in individuals with RYR1-associated disease but has been identified in 1/34590 of Latino/Admixed American chromosomes by the Genome Aggregation Consortium (gnomAD; dbSNP ID: rs587784373). Although this variant has been seen in the general population in a heterozygous state, its frequency is low enough to be consistent with a recessive carrier frequency. This variant has also been reported in ClinVar (Variation ID:159837) and has been interpreted as pathogenic by Invitae and as likely pathogenic by University of Chicago Genetic Services Laboratory. Computational prediction tools and conservation analyses do not provide strong support for or against an impact to the protein. In summary, the clinical significance of the p.Ser4867Asn variant is uncertain. ACMG/AMP Criteria applied: PM2_Supporting (Richards 2015).

Genetic Services Laboratory, University of Chicago
Classification: Likely pathogenic. Last evaluated: 2014-06-26. Review status: criteria provided, single submitter. Criteria: ACMG Guidelines, 2015. Collection method: clinical testing. Allele origin: germline. Inheritance: Autosomal unknown. Affected: yes.

NM_000540.3(RYR1):c.14600G>A (p.Ser4867Asn)

Gene: RYR1 (ryanodine receptor 1; plus strand). Cytogenetic location: 19q13.2.
Variant type: single nucleotide variant.
Coding change: c.14600G>A on transcript NM_000540.3 (MANE Select); coding-DNA position 14600, G replaced by A.
Protein change: p.Ser4867Asn; replaces serine 4867 with asparagine.
Molecular consequence: missense variant.
Genome position (GRCh38, 1-based): chr19:38,580,458, G>A. VCF-style: chr19-38580458-G-A. GRCh37 (hg19) VCF-style: chr19-39071098-G-A.
Other names: NM_000540.3(RYR1):c.14600G>A; p.Ser4867Asn; c.14585G>A, p.Ser4862Asn (NM_001042723.2); short protein forms S4867N, S4862N.
Identifiers: ClinVar variation 159837 (VCV000159837.20), dbSNP rs587784373, ClinGen allele CA024198.